The following is an entry in ClinVar:

ClinVar aggregate classification (germline): Uncertain significance. Review status: criteria provided, multiple submitters, no conflicts (2 of 4 stars). 2 submissions from 2 submitters: Uncertain significance (2). Last evaluated 2023-09-01.

Conditions:
Hypertrophic cardiomyopathy 17. Identifiers: MedGen C3151264, MONDO:0013474, OMIM 613873.
Cardiomyopathy, dilated, 2E. Identifiers: MedGen C5561970, MONDO:0030366, OMIM 619492.
Hypertrophic cardiomyopathy. Also called: HYPERTROPHIC MYOCARDIOPATHY. Identifiers: Orphanet 217569, MedGen C0007194, MeSH D002312, MONDO:0005045, HP:0001639.

Allele frequency attached by ClinVar (database versions not stated): TOPMed below 0.00001; gnomAD 0.00001.

Submissions (2):

New York Genome Center
Classification: Uncertain significance for Cardiomyopathy, dilated, 2E; Hypertrophic cardiomyopathy 17. Last evaluated: 2023-09-01. Review status: criteria provided, single submitter. Criteria: NYGC Assertion Criteria 2020. Collection method: clinical testing. Allele origin: germline. Observed: 1 heterozygote.
Comment: The c.655G>T, p.(Gly219Cys) variant identified in the JPH2 gene results in the substitution of a moderately conserved Glycine for Cystine at amino acid 219/697 (exon 2/6). This variant is found with low frequency in population databases (allele frequency: 4.89e-6, 0 homozygotes; gnomADv2.1.1, gnomADv3.1.2, BRAVO-TOPMed, All of Us) suggesting it is not a common benign variant in the populations represented in those databases. In silico algorithms are inconclusive regarding the effect of this variant on the function of the canonical protein (REVEL; score=0.376). The c.655G>T, p.(Gly219Cys) variant identified here as been reported in ClinVar, where it has been reported as a Variant of Uncertain Significance (VarID:939289), and to our current knowledge has not been reported in affected individuals in the literature. Given the lack of compelling evidence for its pathogenicity, the c.655G>T, p.(Gly219Cys) variant identified in the JPH2 gene is reported as a Variant of Uncertain Significance.

Labcorp Genetics (formerly Invitae), Labcorp
Classification: Uncertain significance for Hypertrophic cardiomyopathy. Last evaluated: 2019-07-10. Review status: criteria provided, single submitter. Criteria: Invitae Variant Classification Sherloc (09022015). Collection method: clinical testing. Allele origin: germline.
Comment: In summary, the available evidence is currently insufficient to determine the role of this variant in disease. Therefore, it has been classified as a Variant of Uncertain Significance. This variant has not been reported in the literature in individuals with JPH2-related conditions. The frequency data for this variant in the population databases is considered unreliable, as metrics indicate insufficient coverage at this position in the ExAC database. Algorithms developed to predict the effect of missense changes on protein structure and function are either unavailable or do not agree on the potential impact of this missense change (SIFT: "Tolerated"; PolyPhen-2: "Probably Damaging"; Align-GVGD: "Class C0"). This sequence change replaces glycine with cysteine at codon 219 of the JPH2 protein (p.Gly219Cys). The glycine residue is highly conserved and there is a large physicochemical difference between glycine and cysteine.

NM_020433.5(JPH2):c.655G>T (p.Gly219Cys)

Gene: JPH2 (junctophilin 2; minus strand). Cytogenetic location: 20q13.12.
Variant type: single nucleotide variant.
Coding change: c.655G>T on transcript NM_020433.5 (MANE Select); coding-DNA position 655, G replaced by T.
Protein change: p.Gly219Cys; replaces glycine 219 with cysteine.
Molecular consequence: missense variant.
Genome position (GRCh38, 1-based): chr20:44,160,132, C>A on the plus strand (G>T on the coding strand, the complement: JPH2 is on the minus strand). VCF-style: chr20-44160132-C-A. GRCh37 (hg19) VCF-style: chr20-42788772-C-A.
Other names: short protein forms G219C.
Identifiers: ClinVar variation 939289 (VCV000939289.10), dbSNP rs1251565277, ClinGen allele CA409093945.